The following is an entry in ClinVar:

ClinVar aggregate classification (germline): Pathogenic. Review status: criteria provided, multiple submitters, no conflicts (2 of 4 stars). 3 submissions from 3 submitters: Pathogenic (3). Last evaluated 2024-10-14.

Conditions:
FKBP10-related disorders.

Allele frequency attached by ClinVar (database versions not stated): gnomAD exomes 0.00001 and 0.00002; TOPMed 0.00002; ExAC 0.00004; gnomAD 0.00004; ESP Exome Variant Server 0.00015.
gnomAD v4.1: 13 of 1,613,902 alleles (0.00081%); highest among the groups gnomAD compares: African/African-American, 0.0013%; no homozygotes.

Submissions (3):

Labcorp Genetics (formerly Invitae), Labcorp
Classification: Pathogenic. Last evaluated: 2024-10-14. Review status: criteria provided, single submitter. Criteria: Invitae Variant Classification Sherloc (09022015). Collection method: clinical testing. Allele origin: germline.
Comment: This sequence change creates a premature translational stop signal (p.Arg115*) in the FKBP10 gene. It is expected to result in an absent or disrupted protein product. Loss-of-function variants in FKBP10 are known to be pathogenic (PMID: 22689593, 22949511). This variant is present in population databases (rs370972136, gnomAD 0.007%). This premature translational stop signal has been observed in individual(s) with osteogenesis imperfecta (PMID: 27762305). ClinVar contains an entry for this variant (Variation ID: 1298701). For these reasons, this variant has been classified as Pathogenic.

Blueprint Genetics
Classification: Pathogenic for FKBP10-related disorders. Last evaluated: 2021-12-07. Review status: criteria provided, single submitter. Criteria: ACMG Guidelines, 2015. Collection method: clinical testing. Allele origin: germline. Affected: yes. Observed: 1 variant allele.

CeGaT Center for Human Genetics Tuebingen
Classification: Pathogenic. Last evaluated: 2021-09-01. Review status: criteria provided, single submitter. Criteria: CeGaT Center For Human Genetics Tuebingen Variant Classification Criteria Version 2. Collection method: clinical testing. Allele origin: germline. Affected: yes. Observed: 1 variant allele.

Literature cited by the submitters: PubMed 22689593 (cited by Labcorp Genetics (formerly Invitae), Labcorp); PubMed 22949511 (cited by Labcorp Genetics (formerly Invitae), Labcorp); PubMed 27762305 (cited by Labcorp Genetics (formerly Invitae), Labcorp).

NM_021939.4(FKBP10):c.343C>T (p.Arg115Ter)

Gene: FKBP10 (FKBP prolyl isomerase 10; plus strand). Cytogenetic location: 17q21.2.
Variant type: single nucleotide variant.
Coding change: c.343C>T on transcript NM_021939.4 (MANE Select); coding-DNA position 343, C replaced by T.
Protein change: p.Arg115Ter; replaces arginine 115 with a stop codon.
Molecular consequence: nonsense.
Genome position (GRCh38, 1-based): chr17:41,817,155, C>T. VCF-style: chr17-41817155-C-T. GRCh37 (hg19) VCF-style: chr17-39973407-C-T.
Other names: short protein forms R115*.
Identifiers: ClinVar variation 1298701 (VCV001298701.42), dbSNP rs370972136, ClinGen allele CA8566199.